The following is an entry in ClinVar:

NM_000218.3(KCNQ1):c.1411C>A (p.Leu471Met)

Genes: KCNQ1 (potassium voltage-gated channel subfamily Q member 1; plus strand), KCNQ1OT1 (KCNQ1 opposite strand/antisense transcript 1; minus strand). Cytogenetic location: 11p15.5.
Variant type: single nucleotide variant.
Coding change: c.1411C>A on transcript NM_000218.3 (MANE Select); coding-DNA position 1411, C replaced by A.
Protein change: p.Leu471Met; replaces leucine 471 with methionine.
Molecular consequence: missense variant.
Genome position (GRCh38, 1-based): chr11:2,661,978, C>A. VCF-style: chr11-2661978-C-A. GRCh37 (hg19) VCF-style: chr11-2683208-C-A.
Other names: c.1315C>A, p.Leu439Met (NM_001406836.1); c.1141C>A, p.Leu381Met (NM_001406837.1); c.871C>A, p.Leu291Met (NM_001406838.1); c.1030C>A, p.Leu344Met (NM_181798.2); short protein forms L344M, L471M, L439M, L291M, L381M.
Identifiers: ClinVar variation 927886 (VCV000927886.6), dbSNP rs1849964971, ClinGen allele CA379479400.

ClinVar aggregate classification (germline): Uncertain significance (1 of 4 stars; one submission).

Conditions:
Cardiac arrhythmia. Also called: Cardiac rhythm disease; Arrhythmia. Identifiers: MedGen C0003811, MONDO:0007263, HP:0011675.

Submission:

Color Diagnostics, LLC DBA Color Health
Classification: Uncertain significance for Cardiac arrhythmia. Last evaluated: 2019-07-25. Review status: criteria provided, single submitter. Criteria: ACMG Guidelines, 2015. Collection method: clinical testing. Allele origin: germline.
Comment: This missense variant replaces leucine with methionine at codon 471 of the KCNQ1 protein. Computational prediction tools and conservation analyses are inconclusive regarding the impact of this variant on the protein function. Computational splicing tools suggest that this variant may not impact RNA splicing. To our knowledge, functional assays have not been performed for this variant nor has this variant been reported in individuals affected with cardiovascular disorders in the literature. This variant has not been identified in the general population by the Genome Aggregation Database (gnomAD). Available evidence is insufficient to determine the role of this variant in disease conclusively. Therefore, this variant is classified as a Variant of Uncertain Significance.